The following is an entry in ClinVar:

NM_058216.3(RAD51C):c.638G>C (p.Cys213Ser)

Genes: RAD51C (RAD51 paralog C; plus strand), LOC129390903 (MPRA-validated peak2919 silencer; plus strand). Cytogenetic location: 17q22.
Variant type: single nucleotide variant.
Coding change: c.638G>C on transcript NM_058216.3 (MANE Select); coding-DNA position 638, G replaced by C.
Protein change: p.Cys213Ser; replaces cysteine 213 with serine.
Molecular consequence: missense variant. On other transcripts: non-coding transcript variant (1).
Genome position (GRCh38, 1-based): chr17:58,703,262, G>C. VCF-style: chr17-58703262-G-C. GRCh37 (hg19) VCF-style: chr17-56780623-G-C.
Other names: c.638G>C (NM_058216.1); short protein forms C213S.
Identifiers: ClinVar variation 1522818 (VCV001522818.9), dbSNP rs2143798852, ClinGen allele CA400349526.

ClinVar aggregate classification (germline): Uncertain significance. Review status: criteria provided, multiple submitters, no conflicts (2 of 4 stars). 2 submissions from 2 submitters: Uncertain significance (2). Last evaluated 2025-08-12.

Conditions:
Hereditary cancer-predisposing syndrome. Also called: Tumor predisposition; Hereditary neoplastic syndrome; Neoplastic Syndromes, Hereditary; Hereditary Cancer Syndrome. Identifiers: Orphanet 140162, MedGen C0027672, MeSH D009386, MONDO:0015356.
Fanconi anemia complementation group O. Also called: RAD51C-Related Fanconi Anemia. Identifiers: Orphanet 84, MedGen C3150653, MONDO:0013248, OMIM 613390.

Submissions (2):

Labcorp Genetics (formerly Invitae), Labcorp
Classification: Uncertain significance for Fanconi anemia complementation group O. Last evaluated: 2025-08-12. Review status: criteria provided, single submitter. Criteria: Invitae Variant Classification Sherloc (09022015). Collection method: clinical testing. Allele origin: germline.
Comment: This sequence change replaces cysteine, which is neutral and slightly polar, with serine, which is neutral and polar, at codon 213 of the RAD51C protein (p.Cys213Ser). This variant is not present in population databases (gnomAD no frequency). This variant has not been reported in the literature in individuals affected with RAD51C-related conditions. ClinVar contains an entry for this variant (Variation ID: 1522818). Invitae Evidence Modeling of protein sequence and biophysical properties (such as structural, functional, and spatial information, amino acid conservation, physicochemical variation, residue mobility, and thermodynamic stability) indicates that this missense variant is expected to disrupt RAD51C protein function with a positive predictive value of 80%. In summary, the available evidence is currently insufficient to determine the role of this variant in disease. Therefore, it has been classified as a Variant of Uncertain Significance.

Ambry Genetics
Classification: Uncertain significance for Hereditary cancer-predisposing syndrome. Last evaluated: 2025-07-12. Review status: criteria provided, single submitter. Criteria: Ambry Variant Classification Scheme 2023. Collection method: clinical testing. Allele origin: germline.
Comment: The p.C213S variant (also known as c.638G>C), located in coding exon 4 of the RAD51C gene, results from a G to C substitution at nucleotide position 638. The cysteine at codon 213 is replaced by serine, an amino acid with dissimilar properties. This amino acid position is conserved. In addition, this alteration is predicted to be deleterious by in silico analysis. Based on the available evidence, the clinical significance of this variant remains unclear.